The following is an entry in ClinVar:

NM_001868.4(CPA1):c.443T>C (p.Ile148Thr)

Gene: CPA1 (carboxypeptidase A1; plus strand). Cytogenetic location: 7q32.2.
Variant type: single nucleotide variant.
Coding change: c.443T>C on transcript NM_001868.4 (MANE Select); coding-DNA position 443, T replaced by C.
Protein change: p.Ile148Thr; replaces isoleucine 148 with threonine.
Molecular consequence: missense variant.
Genome position (GRCh38, 1-based): chr7:130,382,169, T>C. VCF-style: chr7-130382169-T-C. GRCh37 (hg19) VCF-style: chr7-130022010-T-C.
Other names: short protein forms I148T.
Identifiers: ClinVar variation 1740619 (VCV001740619.2), dbSNP rs781892154, ClinGen allele CA4484798.

ClinVar aggregate classification (germline): Uncertain significance (1 of 4 stars; one submission).

Conditions:
Hereditary pancreatitis (PCTT). Also called: Hereditary chronic pancreatitis; PRSS1-Related Hereditary Pancreatitis. Identifiers: Orphanet 676, MedGen C0238339, MONDO:0008185, OMIM 167800.

Allele frequency attached by ClinVar (database versions not stated): gnomAD exomes below 0.00001; ExAC 0.00001.
gnomAD v4.1: 1 of 1,614,202 alleles (0.000062%); highest among the groups gnomAD compares: East Asian, 0.0022%; no homozygotes.

Submission:

Ambry Genetics
Classification: Uncertain significance for Hereditary pancreatitis. Last evaluated: 2022-06-15. Review status: criteria provided, single submitter. Criteria: Ambry Variant Classification Scheme 2023. Collection method: clinical testing. Allele origin: germline.
Comment: The p.I148T variant (also known as c.443T>C), located in coding exon 4 of the CPA1 gene, results from a T to C substitution at nucleotide position 443. The isoleucine at codon 148 is replaced by threonine, an amino acid with similar properties. This amino acid position is conserved. In addition, this alteration is predicted to be deleterious by in silico analysis. Since supporting evidence is limited at this time, the clinical significance of this alteration remains unclear.